The following is an entry in ClinVar:

NM_020928.2(ZSWIM6):c.2293C>G (p.Pro765Ala)

Gene: ZSWIM6 (zinc finger SWIM-type containing 6; plus strand). Cytogenetic location: 5q12.1.
Variant type: single nucleotide variant.
Coding change: c.2293C>G on transcript NM_020928.2 (MANE Select); coding-DNA position 2293, C replaced by G.
Protein change: p.Pro765Ala; replaces proline 765 with alanine.
Molecular consequence: missense variant.
Genome position (GRCh38, 1-based): chr5:61,535,531, C>G. VCF-style: chr5-61535531-C-G. GRCh37 (hg19) VCF-style: chr5-60831358-C-G.
Other names: short protein forms P765A.
Identifiers: ClinVar variation 3612790 (VCV003612790.2).

ClinVar aggregate classification (germline): Uncertain significance (1 of 4 stars; one submission).

gnomAD v4.1: 3 of 1,551,296 alleles (0.00019%); highest among the groups gnomAD compares: Non-Finnish European, 0.00026%; no homozygotes.

Submission:

Labcorp Genetics (formerly Invitae), Labcorp
Classification: Uncertain significance. Last evaluated: 2024-09-06. Review status: criteria provided, single submitter. Criteria: Invitae Variant Classification Sherloc (09022015). Collection method: clinical testing. Allele origin: germline.
Comment: This sequence change replaces proline, which is neutral and non-polar, with alanine, which is neutral and non-polar, at codon 765 of the ZSWIM6 protein (p.Pro765Ala). This variant is present in population databases (no rsID available, gnomAD 0.003%). This variant has not been reported in the literature in individuals affected with ZSWIM6-related conditions. Invitae Evidence Modeling of protein sequence and biophysical properties (such as structural, functional, and spatial information, amino acid conservation, physicochemical variation, residue mobility, and thermodynamic stability) indicates that this missense variant is not expected to disrupt ZSWIM6 protein function with a negative predictive value of 80%. In summary, the available evidence is currently insufficient to determine the role of this variant in disease. Therefore, it has been classified as a Variant of Uncertain Significance.